The following is an entry in ClinVar:

NM_000023.4(SGCA):c.408C>T (p.Ala136=)

Gene: SGCA (sarcoglycan alpha; plus strand). Cytogenetic location: 17q21.33.
Variant type: single nucleotide variant.
Coding change: c.408C>T on transcript NM_000023.4 (MANE Select); coding-DNA position 408, C replaced by T.
Protein change: p.Ala136=; no amino-acid change (alanine 136 retained).
Molecular consequence: synonymous variant. On other transcripts: non-coding transcript variant (1).
Genome position (GRCh38, 1-based): chr17:50,168,396, C>T. VCF-style: chr17-50168396-C-T. GRCh37 (hg19) VCF-style: chr17-48245757-C-T.
Other names: c.408C>T, p.Ala136= (NM_001135697.3); c.408C>T (NM_000023.3).
Identifiers: ClinVar variation 287947 (VCV000287947.28), dbSNP rs143551687, ClinGen allele CA8643797.

ClinVar aggregate classification (germline): Conflicting classifications of pathogenicity. Review status: criteria provided, conflicting classifications (1 of 4 stars). 6 submissions from 6 submitters: Uncertain significance (1); Likely benign (3). 2 of the submissions do not count toward it. Last evaluated 2025-11-15.

Conditions:
SGCA-related disorder. Also called: SGCA-related condition.
Autosomal recessive limb-girdle muscular dystrophy type 2D (LGMDR3). Also called: DUCHENNE-LIKE AUTOSOMAL RECESSIVE MUSCULAR DYSTROPHY, TYPE 2; MUSCULAR DYSTROPHY, LIMB-GIRDLE, AUTOSOMAL RECESSIVE 3; ADHALINOPATHY, PRIMARY. Identifiers: Orphanet 62, MedGen C2936332, MONDO:0011968, OMIM 608099. Disease mechanism: Affects gamma-sarcoglycan and also disrupts the integrity of the entire sarcoglycan complex..

Allele frequency attached by ClinVar (database versions not stated): TOPMed 0.00004; ESP Exome Variant Server 0.00008; gnomAD exomes 0.00013; 1000 Genomes Project 30x 0.00016; 1000 Genomes Project 0.00020; ExAC 0.00038.
gnomAD v4.1: 104 of 1,586,074 alleles (0.0066%); highest among the groups gnomAD compares: South Asian, 0.058%; no homozygotes.

Submissions (6):

Labcorp Genetics (formerly Invitae), Labcorp
Classification: Likely benign for Autosomal recessive limb-girdle muscular dystrophy type 2D. Last evaluated: 2025-11-15. Review status: criteria provided, single submitter. Criteria: Invitae Variant Classification Sherloc (09022015). Collection method: clinical testing. Allele origin: germline.

GeneDx
Classification: Likely benign. Last evaluated: 2018-06-01. Review status: criteria provided, single submitter. Criteria: GeneDx Variant Classification (06012015). Collection method: clinical testing. Allele origin: germline. Affected: yes.
Comment: This variant is considered likely benign or benign based on one or more of the following criteria: it is a conservative change, it occurs at a poorly conserved position in the protein, it is predicted to be benign by multiple in silico algorithms, and/or has population frequency not consistent with disease.

ARUP Laboratories, Molecular Genetics and Genomics, ARUP Laboratories
Classification: Likely benign. Last evaluated: 2018-05-27. Review status: criteria provided, single submitter. Criteria: ARUP Molecular Germline Variant Investigation Process. Collection method: clinical testing. Allele origin: germline.
Comment: The p.Ala136Ala variant (rs143551687) does not alter the amino acid sequence of the SGCA protein and computational splice site prediction algorithms do not predict a change in the nearest splice site or creation of a cryptic splice site. This variant has not been reported in association with cardiomyopathy in medical literature or in gene specific variation databases. This variant is listed in the Genome Aggregation Database (gnomAD) with a frequency of 0.07 percent in the East Asian population (identified on 17 out of 25,998 chromosomes) and has been reported to the ClinVar database (Variation ID: 287947). Based on these observations, the p.Ala136Ala variant is likely to be benign.

Eurofins Ntd Llc (ga)
Classification: Uncertain significance. Last evaluated: 2016-05-24. Review status: criteria provided, single submitter. Criteria: EGL Classification Definitions 2015. Collection method: clinical testing. Allele origin: germline. Observed: 1 variant allele, 1 heterozygote.

Natera, Inc.
Classification: Likely benign for Limb-girdle muscular dystrophy type 2D. Last evaluated: 2021-02-10. Review status: no assertion criteria provided. Collection method: clinical testing. Allele origin: germline. Not counted in ClinVar's aggregate classification.

PreventionGenetics, part of Exact Sciences
Classification: Likely benign for SGCA-related condition. Last evaluated: 2019-05-02. Review status: no assertion criteria provided. Collection method: clinical testing. Allele origin: germline. Not counted in ClinVar's aggregate classification.
Comment: This variant is classified as likely benign based on ACMG/AMP sequence variant interpretation guidelines (Richards et al. 2015 PMID: 25741868, with internal and published modifications).